The following is an entry in ClinVar:

ClinVar aggregate classification (germline): Uncertain significance (1 of 4 stars; one submission).

Submission:

Labcorp Genetics (formerly Invitae), Labcorp
Classification: Uncertain significance. Last evaluated: 2022-04-08. Review status: criteria provided, single submitter. Criteria: Invitae Variant Classification Sherloc (09022015). Collection method: clinical testing. Allele origin: germline.
Comment: A copy number gain of the genomic region encompassing the full coding sequence of the PTPN23 gene has been identified. The boundaries of this event are unknown as they extend beyond the assayed region for this gene and therefore may encompass additional genes. As the precise location of this event is unknown, it may be in tandem or it may be located elsewhere in the genome. This variant has not been reported in the literature in individuals affected with PTPN23-related conditions. In summary, the available evidence is currently insufficient to determine the role of this variant in disease. Therefore, it has been classified as a Variant of Uncertain Significance.

NC_000003.11:g.(?_47422587)_(47919033_?)dup

Genes: CSPG5 (chondroitin sulfate proteoglycan 5; minus strand), DHX30 (DExH-box helicase 30; plus strand), ELP6 (elongator acetyltransferase complex subunit 6; minus strand), MAP4 (microtubule associated protein 4; minus strand), PTPN23 (protein tyrosine phosphatase non-receptor type 23; plus strand) and 2 more. Cytogenetic location: 3p21.31.
Variant type: Duplication.
Identifiers: ClinVar variation 2426158 (VCV002426158.3).